The following is an entry in ClinVar:

ClinVar aggregate classification (germline): Uncertain significance. Review status: criteria provided, multiple submitters, no conflicts (2 of 4 stars). 2 submissions from 2 submitters: Uncertain significance (2). Last evaluated 2026-08-19.

Conditions:
Congenital contractural arachnodactyly (CCA). Also called: Beals-Hecht syndrome; BEALS SYNDROME; Arthrogryposis, distal, type 9. Identifiers: Orphanet 115, MedGen C0220668, MONDO:0007363, OMIM 121050.
Familial thoracic aortic aneurysm and aortic dissection (TAAD). Also called: Thoracic aortic aneurysms and dissections. Identifiers: Orphanet 91387, MedGen C4707243, MONDO:0019625.

Allele frequency attached by ClinVar (database versions not stated): gnomAD exomes below 0.00001; TOPMed below 0.00001.
gnomAD v4.1: 2 of 1,613,760 alleles (0.00012%); highest among the groups gnomAD compares: Non-Finnish European, 0.00017%; no homozygotes.

Submissions (2):

Ambry Genetics
Classification: Uncertain significance for Familial thoracic aortic aneurysm and aortic dissection. Last evaluated: 2026-08-19. Review status: criteria provided, single submitter. Criteria: Ambry Variant Classification Scheme 2023. Collection method: clinical testing. Allele origin: germline.
Comment: The c.8193-4A>G intronic variant results from an A to G substitution 4 nucleotides upstream from coding exon 64 in the FBN2 gene. This nucleotide position is well conserved in available vertebrate species. In silico splice site analysis predicts that this alteration will result in the creation or strengthening of a novel splice acceptor site. Based on the available evidence, the clinical significance of this variant remains unclear.

Labcorp Genetics (formerly Invitae), Labcorp
Classification: Uncertain significance for Congenital contractural arachnodactyly. Last evaluated: 2024-07-16. Review status: criteria provided, single submitter. Criteria: Invitae Variant Classification Sherloc (09022015). Collection method: clinical testing. Allele origin: germline.
Comment: This sequence change falls in intron 63 of the FBN2 gene. It does not directly change the encoded amino acid sequence of the FBN2 protein. This variant is present in population databases (rs200964477, gnomAD 0.0009%). This variant has not been reported in the literature in individuals affected with FBN2-related conditions. ClinVar contains an entry for this variant (Variation ID: 264027). Algorithms developed to predict the effect of sequence changes on RNA splicing suggest that this variant may create or strengthen a splice site. In summary, the available evidence is currently insufficient to determine the role of this variant in disease. Therefore, it has been classified as a Variant of Uncertain Significance.

NM_001999.4(FBN2):c.8193-4A>G

Gene: FBN2 (fibrillin 2; minus strand). Cytogenetic location: 5q23.3.
Variant type: single nucleotide variant.
Coding change: c.8193-4A>G on transcript NM_001999.4 (MANE Select); 4 bases into the intron before coding-DNA position 8193, A replaced by G.
Molecular consequence: intron variant.
Genome position (GRCh38, 1-based): chr5:128,261,911, T>C on the plus strand (A>G on the coding strand, the complement: FBN2 is on the minus strand). VCF-style: chr5-128261911-T-C. GRCh37 (hg19) VCF-style: chr5-127597603-T-C.
Identifiers: ClinVar variation 264027 (VCV000264027.8), dbSNP rs200964477, ClinGen allele CA10587594.
Genomic context (GRCh38, chr5:128,261,911, plus strand): 5'-TCTGTATCCAGTGACAGGTACTGCCCCTTGTTAAATCCCATTCCTGAGACACAGTGGCTA[T>C]TTGCAAAAAGCAAAGTATTGTTAGACTTTATCACTGACTTGACCATAGTTTTCCAGTGGT-3'